The following is an entry in ClinVar:

ClinVar aggregate classification (germline): Uncertain significance. Review status: criteria provided, multiple submitters, no conflicts (2 of 4 stars). 2 submissions from 2 submitters: Uncertain significance (2). Last evaluated 2024-03-03.

Conditions:
Inborn genetic diseases. Identifiers: MedGen C0950123, MeSH D030342.

Allele frequency attached by ClinVar (database versions not stated): gnomAD exomes 0.00001.
gnomAD v4.1: 12 of 1,614,140 alleles (0.00074%); highest among the groups gnomAD compares: East Asian, 0.0022%; no homozygotes.

Submissions (2):

Labcorp Genetics (formerly Invitae), Labcorp
Classification: Uncertain significance. Last evaluated: 2024-03-03. Review status: criteria provided, single submitter. Criteria: Invitae Variant Classification Sherloc (09022015). Collection method: clinical testing. Allele origin: germline.
Comment: This sequence change replaces arginine, which is basic and polar, with glutamine, which is neutral and polar, at codon 86 of the PPP2R5D protein (p.Arg86Gln). This variant is not present in population databases (gnomAD no frequency). This variant has not been reported in the literature in individuals affected with PPP2R5D-related conditions. ClinVar contains an entry for this variant (Variation ID: 1467826). An algorithm developed to predict the effect of missense changes on protein structure and function (PolyPhen-2) suggests that this variant is likely to be disruptive. In summary, the available evidence is currently insufficient to determine the role of this variant in disease. Therefore, it has been classified as a Variant of Uncertain Significance.

Ambry Genetics
Classification: Uncertain significance for Inborn genetic diseases. Last evaluated: 2023-12-27. Review status: criteria provided, single submitter. Criteria: Ambry Variant Classification Scheme 2023. Collection method: clinical testing. Allele origin: germline.

NM_006245.4(PPP2R5D):c.257G>A (p.Arg86Gln)

Gene: PPP2R5D (protein phosphatase 2 regulatory subunit B'delta; plus strand). Cytogenetic location: 6p21.1.
Variant type: single nucleotide variant.
Coding change: c.257G>A on transcript NM_006245.4 (MANE Select); coding-DNA position 257, G replaced by A.
Protein change: p.Arg86Gln; replaces arginine 86 with glutamine.
Molecular consequence: missense variant. On other transcripts: 5 prime UTR variant (1), intron variant (2).
Genome position (GRCh38, 1-based): chr6:43,006,614, G>A. VCF-style: chr6-43006614-G-A. GRCh37 (hg19) VCF-style: chr6-42974352-G-A.
Other names: c.-197G>A (NM_001270476.2); c.249+8G>A (NM_180976.3); c.28-320G>A (NM_180977.3); c.257G>A (NM_006245.2); short protein forms R86Q.
Identifiers: ClinVar variation 1467826 (VCV001467826.7), dbSNP rs1762095265, ClinGen allele CA364180487.